The following is an entry in ClinVar:

NM_000784.4(CYP27A1):c.842T>C (p.Phe281Ser)

Gene: CYP27A1 (cytochrome P450 family 27 subfamily A member 1; plus strand). Cytogenetic location: 2q35.
Variant type: single nucleotide variant.
Coding change: c.842T>C on transcript NM_000784.4 (MANE Select); coding-DNA position 842, T replaced by C.
Protein change: p.Phe281Ser; replaces phenylalanine 281 with serine.
Molecular consequence: missense variant.
Genome position (GRCh38, 1-based): chr2:218,812,747, T>C. VCF-style: chr2-218812747-T-C. GRCh37 (hg19) VCF-style: chr2-219677470-T-C.
Other names: short protein forms F281S.
Identifiers: ClinVar variation 1763356 (VCV001763356.2), dbSNP rs762365759, ClinGen allele CA2112728.

ClinVar aggregate classification (germline): Uncertain significance (1 of 4 stars; one submission).

Conditions:
Cardiovascular phenotype. Identifiers: MedGen CN230736.

gnomAD v4.1: 3 of 1,614,162 alleles (0.00019%); highest among the groups gnomAD compares: Non-Finnish European, 0.00025%; no homozygotes.

Submission:

Ambry Genetics
Classification: Uncertain significance for Cardiovascular phenotype. Last evaluated: 2021-12-16. Review status: criteria provided, single submitter. Criteria: Ambry Variant Classification Scheme 2023. Collection method: clinical testing. Allele origin: germline.
Comment: The p.F281S variant (also known as c.842T>C), located in coding exon 4 of the CYP27A1 gene, results from a T to C substitution at nucleotide position 842. The phenylalanine at codon 281 is replaced by serine, an amino acid with highly dissimilar properties. This amino acid position is conserved. In addition, the in silico prediction for this alteration is inconclusive. Since supporting evidence is limited at this time, the clinical significance of this alteration remains unclear.